The following is an entry in ClinVar:

NM_004733.4(SLC33A1):c.746C>T (p.Pro249Leu)

Gene: SLC33A1 (solute carrier family 33 member 1; minus strand). Cytogenetic location: 3q25.31.
Variant type: single nucleotide variant.
Coding change: c.746C>T on transcript NM_004733.4 (MANE Select); coding-DNA position 746, C replaced by T.
Protein change: p.Pro249Leu; replaces proline 249 with leucine.
Molecular consequence: missense variant.
Genome position (GRCh38, 1-based): chr3:155,853,252, G>A on the plus strand (C>T on the coding strand, the complement: SLC33A1 is on the minus strand). VCF-style: chr3-155853252-G-A. GRCh37 (hg19) VCF-style: chr3-155571041-G-A.
Other names: c.746C>T, p.Pro249Leu (NM_001190992.2, NM_001363883.1); short protein forms P249L.
Identifiers: ClinVar variation 2503389 (VCV002503389.1), dbSNP rs2473015850, ClinGen allele CA355142925.

ClinVar aggregate classification (germline): Uncertain significance (1 of 4 stars; one submission).

Submission:

GeneDx
Classification: Uncertain significance. Last evaluated: 2022-11-21. Review status: criteria provided, single submitter. Criteria: GeneDx Variant Classification Process June 2021. Collection method: clinical testing. Allele origin: germline. Affected: yes.
Comment: Not observed at significant frequency in large population cohorts (gnomAD); In silico analysis supports that this missense variant has a deleterious effect on protein structure/function; Has not been previously published as pathogenic or benign to our knowledge